The following is an entry in ClinVar:

ClinVar aggregate classification (germline): Uncertain significance (1 of 4 stars; one submission).

Allele frequency attached by ClinVar (database versions not stated): ExAC 0.00003; gnomAD 0.00003; TOPMed 0.00004.
gnomAD v4.1: 56 of 1,606,550 alleles (0.0035%); highest among the groups gnomAD compares: Non-Finnish European, 0.00051%; no homozygotes.

Submission:

Labcorp Genetics (formerly Invitae), Labcorp
Classification: Uncertain significance. Last evaluated: 2023-11-19. Review status: criteria provided, single submitter. Criteria: Invitae Variant Classification Sherloc (09022015). Collection method: clinical testing. Allele origin: germline.
Comment: This sequence change replaces serine, which is neutral and polar, with proline, which is neutral and non-polar, at codon 361 of the SIPA1L3 protein (p.Ser361Pro). This variant is present in population databases (rs762227164, gnomAD 0.1%), and has an allele count higher than expected for a pathogenic variant. This variant has not been reported in the literature in individuals affected with SIPA1L3-related conditions. An algorithm developed to predict the effect of missense changes on protein structure and function (PolyPhen-2) suggests that this variant is likely to be tolerated. In summary, the available evidence is currently insufficient to determine the role of this variant in disease. Therefore, it has been classified as a Variant of Uncertain Significance.

NM_015073.3(SIPA1L3):c.1081T>C (p.Ser361Pro)

Gene: SIPA1L3 (signal induced proliferation associated 1 like 3; plus strand). Cytogenetic location: 19q13.13.
Variant type: single nucleotide variant.
Coding change: c.1081T>C on transcript NM_015073.3 (MANE Select); coding-DNA position 1081, T replaced by C.
Protein change: p.Ser361Pro; replaces serine 361 with proline.
Molecular consequence: missense variant.
Genome position (GRCh38, 1-based): chr19:38,082,646, T>C. VCF-style: chr19-38082646-T-C. GRCh37 (hg19) VCF-style: chr19-38573286-T-C.
Other names: short protein forms S361P.
Identifiers: ClinVar variation 2889654 (VCV002889654.3), dbSNP rs762227164, ClinGen allele CA9409275.